The following is an entry in ClinVar:

NM_005236.3(ERCC4):c.41C>T (p.Pro14Leu)

Genes: ERCC4 (ERCC excision repair 4, endonuclease catalytic subunit; plus strand), LOC130058543 (ATAC-STARR-seq lymphoblastoid active region 10486; plus strand). Cytogenetic location: 16p13.12.
Variant type: single nucleotide variant.
Coding change: c.41C>T on transcript NM_005236.3 (MANE Select); coding-DNA position 41, C replaced by T.
Protein change: p.Pro14Leu; replaces proline 14 with leucine.
Molecular consequence: missense variant.
Genome position (GRCh38, 1-based): chr16:13,920,206, C>T. VCF-style: chr16-13920206-C-T. GRCh37 (hg19) VCF-style: chr16-14014063-C-T.
Other names: short protein forms P14L.
Identifiers: ClinVar variation 408565 (VCV000408565.11), dbSNP rs754622238, ClinGen allele CA7910073.

ClinVar aggregate classification (germline): Uncertain significance (1 of 4 stars; one submission).

Conditions:
Xeroderma pigmentosum, group F (XPF). Also called: XERODERMA PIGMENTOSUM, COMPLEMENTATION GROUP F; XERODERMA PIGMENTOSUM VI; XP, GROUP F; ERCC4-Related Xeroderma Pigmentosum; XERODERMA PIGMENTOSUM, TYPE F; Xeroderma pigmentosum, type 6. Identifiers: MedGen C0268140, MONDO:0010215, OMIM 278760.
Cockayne syndrome. Identifiers: Orphanet 191, MedGen C0009207, MONDO:0016006.
Fanconi anemia complementation group Q. Identifiers: Orphanet 84, MedGen C3808988, MONDO:0014108, OMIM 615272.

Allele frequency attached by ClinVar (database versions not stated): gnomAD 0.00001; ExAC 0.00003; gnomAD exomes 0.00003.
gnomAD v4.1: 14 of 1,607,238 alleles (0.00087%); highest among the groups gnomAD compares: East Asian, 0.018%; no homozygotes.

Submission:

Labcorp Genetics (formerly Invitae), Labcorp
Classification: Uncertain significance for Fanconi anemia complementation group Q; Xeroderma pigmentosum, group F; Cockayne syndrome. Last evaluated: 2025-07-21. Review status: criteria provided, single submitter. Criteria: Invitae Variant Classification Sherloc (09022015). Collection method: clinical testing. Allele origin: germline.
Comment: This sequence change replaces proline, which is neutral and non-polar, with leucine, which is neutral and non-polar, at codon 14 of the ERCC4 protein (p.Pro14Leu). This variant is present in population databases (rs754622238, gnomAD 0.03%). This variant has not been reported in the literature in individuals affected with ERCC4-related conditions. ClinVar contains an entry for this variant (Variation ID: 408565). Invitae Evidence Modeling of protein sequence and biophysical properties (such as structural, functional, and spatial information, amino acid conservation, physicochemical variation, residue mobility, and thermodynamic stability) indicates that this missense variant is not expected to disrupt ERCC4 protein function with a negative predictive value of 80%. In summary, the available evidence is currently insufficient to determine the role of this variant in disease. Therefore, it has been classified as a Variant of Uncertain Significance.